The following is an entry in ClinVar:

NM_000264.5(PTCH1):c.1741G>C (p.Val581Leu)

Genes: PTCH1 (patched 1; minus strand), LOC100507346 (uncharacterized LOC100507346; plus strand). Cytogenetic location: 9q22.32.
Variant type: single nucleotide variant.
Coding change: c.1741G>C on transcript NM_000264.5 (MANE Select); coding-DNA position 1741, G replaced by C.
Protein change: p.Val581Leu; replaces valine 581 with leucine.
Molecular consequence: missense variant. On other transcripts: non-coding transcript variant (2).
Genome position (GRCh38, 1-based): chr9:95,469,919, C>G on the plus strand (G>C on the coding strand, the complement: PTCH1 is on the minus strand). VCF-style: chr9-95469919-C-G. GRCh37 (hg19) VCF-style: chr9-98232201-C-G.
Other names: c.1543G>C, p.Val515Leu (NM_001083602.3); c.1738G>C, p.Val580Leu (NM_001083603.3); c.1288G>C, p.Val430Leu (NM_001083604.3, NM_001083605.3, NM_001083606.3 and 1 more transcripts); c.1585G>C, p.Val529Leu (NM_001354918.2); short protein forms V580L, V529L, V430L, V515L, V581L.
Identifiers: ClinVar variation 2711513 (VCV002711513.4), dbSNP rs1468340502, ClinGen allele CA374116455.

ClinVar aggregate classification (germline): Uncertain significance. Review status: criteria provided, multiple submitters, no conflicts (2 of 4 stars). 2 submissions from 2 submitters: Uncertain significance (2). Last evaluated 2026-07-06.

Conditions:
Gorlin syndrome. Also called: Nevoid Basal Cell Carcinoma Syndrome; Basal cell nevus syndrome. Identifiers: Orphanet 377, MedGen C0004779, MONDO:0007187.
Hereditary cancer-predisposing syndrome. Also called: Hereditary neoplastic syndrome; Hereditary Cancer Syndrome; Neoplastic Syndromes, Hereditary; Tumor predisposition. Identifiers: Orphanet 140162, MedGen C0027672, MeSH D009386, MONDO:0015356.

Submissions (2):

Ambry Genetics
Classification: Uncertain significance for Hereditary cancer-predisposing syndrome. Last evaluated: 2026-07-06. Review status: criteria provided, single submitter. Criteria: Ambry Variant Classification Scheme 2023. Collection method: clinical testing. Allele origin: germline.
Comment: The p.V515L variant (also known as c.1543G>C), located in coding exon 13 of the PTCH1 gene, results from a G to C substitution at nucleotide position 1543. The valine at codon 515 is replaced by leucine, an amino acid with highly similar properties. This amino acid position is conserved. In addition, this alteration is predicted to be deleterious by in silico analysis. Based on the available evidence, the clinical significance of this variant remains unclear.

Labcorp Genetics (formerly Invitae), Labcorp
Classification: Uncertain significance for Gorlin syndrome. Last evaluated: 2024-01-25. Review status: criteria provided, single submitter. Criteria: Invitae Variant Classification Sherloc (09022015). Collection method: clinical testing. Allele origin: germline.
Comment: This sequence change replaces valine, which is neutral and non-polar, with leucine, which is neutral and non-polar, at codon 581 of the PTCH1 protein (p.Val581Leu). This variant is not present in population databases (gnomAD no frequency). This variant has not been reported in the literature in individuals affected with PTCH1-related conditions. Advanced modeling of protein sequence and biophysical properties (such as structural, functional, and spatial information, amino acid conservation, physicochemical variation, residue mobility, and thermodynamic stability) performed at Invitae indicates that this missense variant is not expected to disrupt PTCH1 protein function with a negative predictive value of 95%. In summary, the available evidence is currently insufficient to determine the role of this variant in disease. Therefore, it has been classified as a Variant of Uncertain Significance.